The following is an entry in ClinVar:

NM_000260.4(MYO7A):c.3978C>T (p.Cys1326=)

Gene: MYO7A (myosin VIIA; plus strand). Cytogenetic location: 11q13.5.
Variant type: single nucleotide variant.
Coding change: c.3978C>T on transcript NM_000260.4 (MANE Select); coding-DNA position 3978, C replaced by T.
Protein change: p.Cys1326=; no amino-acid change (cysteine 1326 retained).
Molecular consequence: synonymous variant.
Genome position (GRCh38, 1-based): chr11:77,192,104, C>T. VCF-style: chr11-77192104-C-T. GRCh37 (hg19) VCF-style: chr11-76903149-C-T.
Other names: c.3978C>T, p.Cys1326= (NM_001127180.2); c.3945C>T, p.Cys1315= (NM_001369365.1).
Identifiers: ClinVar variation 43227 (VCV000043227.62), dbSNP rs111033376, ClinGen allele CA132311.

ClinVar aggregate classification (germline): Conflicting classifications of pathogenicity. Review status: criteria provided, conflicting classifications (1 of 4 stars). 8 submissions from 6 submitters: Uncertain significance (4); Likely benign (3). 1 of the submissions does not count toward it. Last evaluated 2026-01-25.

Conditions:
MYO7A-related disorder. Also called: MYO7A-related disorders.
Usher syndrome type 1 (USH1). Also called: RETINITIS PIGMENTOSA AND CONGENITAL DEAFNESS. Identifiers: Orphanet 231169, Orphanet 886, MedGen C1568247, MONDO:0010168, OMIM 276900.
Autosomal recessive nonsyndromic hearing loss 2. Also called: NEUROSENSORY NONSYNDROMIC RECESSIVE DEAFNESS 2; DEAFNESS, AUTOSOMAL RECESSIVE 2. Identifiers: Orphanet 90636, MedGen C1838701, MONDO:0010807, OMIM 600060.
Autosomal dominant nonsyndromic hearing loss 11. Identifiers: Orphanet 90635, MedGen C1832475, MONDO:0011032, OMIM 601317.

Allele frequency attached by ClinVar (database versions not stated): gnomAD 0.00009 and 0.00010; TOPMed 0.00011; ESP Exome Variant Server 0.00016.
gnomAD v4.1: 209 of 1,613,782 alleles (0.013%); highest among the groups gnomAD compares: Middle Eastern, 0.049%; no homozygotes.

Submissions (8):

Labcorp Genetics (formerly Invitae), Labcorp
Classification: Likely benign. Last evaluated: 2026-01-25. Review status: criteria provided, single submitter. Criteria: Invitae Variant Classification Sherloc (09022015). Collection method: clinical testing. Allele origin: germline.

Blueprint Genetics
Classification: Likely benign. Last evaluated: 2024-11-26. Review status: criteria provided, single submitter. Criteria: ACMG Guidelines, 2015. Collection method: clinical testing. Allele origin: germline.

CeGaT Center for Human Genetics Tuebingen
Classification: Uncertain significance. Last evaluated: 2018-05-01. Review status: criteria provided, single submitter. Criteria: CeGaT Center For Human Genetics Tuebingen Variant Classification Criteria Version 2. Collection method: clinical testing. Allele origin: germline. Affected: yes. Observed: 1 variant allele.

Illumina Laboratory Services, Illumina
Classification: Uncertain significance for Autosomal recessive nonsyndromic hearing loss 2. Last evaluated: 2018-01-13. Review status: criteria provided, single submitter. Criteria: ICSL Variant Classification Criteria 13 December 2019. Collection method: clinical testing. Allele origin: germline.

Illumina Laboratory Services, Illumina
Classification: Uncertain significance for Autosomal dominant nonsyndromic hearing loss 11. Last evaluated: 2018-01-13. Review status: criteria provided, single submitter. Criteria: ICSL Variant Classification Criteria 13 December 2019. Collection method: clinical testing. Allele origin: germline.

Illumina Laboratory Services, Illumina
Classification: Uncertain significance for Usher syndrome type 1. Last evaluated: 2018-01-13. Review status: criteria provided, single submitter. Criteria: ICSL Variant Classification Criteria 13 December 2019. Collection method: clinical testing. Allele origin: germline.

Laboratory for Molecular Medicine, Mass General Brigham Personalized Medicine
Classification: Likely benign. Last evaluated: 2008-03-01. Review status: criteria provided, single submitter. Criteria: LMM Criteria. Collection method: clinical testing. Allele origin: germline. Observed: 1 variant allele.

PreventionGenetics, part of Exact Sciences
Classification: Likely benign for MYO7A-related condition. Last evaluated: 2024-04-17. Review status: no assertion criteria provided. Collection method: clinical testing. Allele origin: germline. Not counted in ClinVar's aggregate classification.
Comment: This variant is classified as likely benign based on ACMG/AMP sequence variant interpretation guidelines (Richards et al. 2015 PMID: 25741868, with internal and published modifications).